The following is an entry in ClinVar:

ClinVar aggregate classification (germline): Pathogenic (1 of 4 stars; one submission).

Submission:

ISCA site 4
Classification: Pathogenic. Last evaluated: 2011-08-12. Review status: criteria provided, single submitter. Criteria: Kaminsky et al. (Genet Med. 2011). Collection method: clinical testing. Allele origin: unknown. Affected: yes. Observed: 1 variant allele.
Comment: Copy number variation identified through the course of routine clinical cytogenomic testing in postnatal populations. Clinical assertions have been curated as described in Kaminsky et al. 2011.

GRCh38/hg38 9q34.3(chr9:136323974-138124532)x1

Genes: ABCA2 (ATP binding cassette subfamily A member 2; minus strand), AGPAT2 (1-acylglycerol-3-phosphate O-acyltransferase 2; minus strand), AJM1 (apical junction component 1 homolog; plus strand), ANAPC2 (anaphase promoting complex subunit 2; minus strand), ARRDC1 (arrestin domain containing 1; plus strand) and 281 more. Cytogenetic location: 9q34.3.
Variant type: copy number loss.
Change: copy number 1 (one copy instead of two) of chr9:136,323,974-138,124,532 (1.80 Mb, GRCh38 coordinates, 1-based), cytogenetic band 9q34.3.
Identifiers: ClinVar variation 57416 (VCV000057416.1).